The following is an entry in ClinVar:

ClinVar aggregate classification (germline): Uncertain significance (1 of 4 stars; one submission).

Allele frequency attached by ClinVar (database versions not stated): TOPMed 0.00001; gnomAD 0.00002.
gnomAD v4.1: 3 of 1,613,742 alleles (0.00019%); highest among the groups gnomAD compares: Admixed American, 0.005%; no homozygotes.

Submission:

Labcorp Genetics (formerly Invitae), Labcorp
Classification: Uncertain significance. Last evaluated: 2025-04-03. Review status: criteria provided, single submitter. Criteria: Invitae Variant Classification Sherloc (09022015). Collection method: clinical testing. Allele origin: germline.
Comment: This sequence change replaces glutamic acid, which is acidic and polar, with valine, which is neutral and non-polar, at codon 802 of the ERBIN protein (p.Glu802Val). This variant is not present in population databases (gnomAD no frequency). This variant has not been reported in the literature in individuals affected with ERBIN-related conditions. ClinVar contains an entry for this variant (Variation ID: 1907238). An algorithm developed to predict the effect of missense changes on protein structure and function (PolyPhen-2) suggests that this variant is likely to be tolerated. In summary, the available evidence is currently insufficient to determine the role of this variant in disease. Therefore, it has been classified as a Variant of Uncertain Significance.

NM_001253697.2(ERBIN):c.2405A>T (p.Glu802Val)

Gene: ERBIN (erbb2 interacting protein; plus strand). Cytogenetic location: 5q12.3.
Variant type: single nucleotide variant.
Coding change: c.2405A>T on transcript NM_001253697.2 (MANE Select); coding-DNA position 2405, A replaced by T.
Protein change: p.Glu802Val; replaces glutamic acid 802 with valine.
Molecular consequence: missense variant.
Genome position (GRCh38, 1-based): chr5:66,053,723, A>T. VCF-style: chr5-66053723-A-T. GRCh37 (hg19) VCF-style: chr5-65349551-A-T.
Other names: c.2405A>T, p.Glu802Val (NM_001006600.3, NM_001253698.2, NM_001253699.2 and 1 more transcripts); c.2393A>T, p.Glu798Val (NM_001253701.2); short protein forms E798V, E802V.
Identifiers: ClinVar variation 1907238 (VCV001907238.5), dbSNP rs1341139487, ClinGen allele CA359866791.